The following is an entry in ClinVar:

NM_001267550.2(TTN):c.82879C>T (p.Gln27627Ter)

Genes: TTN-AS1 (TTN antisense RNA 1; plus strand), TTN (titin; minus strand). Cytogenetic location: 2q31.2.
Variant type: single nucleotide variant.
Coding change: c.82879C>T on transcript NM_001267550.2 (MANE Select); coding-DNA position 82879, C replaced by T.
Protein change: p.Gln27627Ter; replaces glutamine 27627 with a stop codon.
Molecular consequence: nonsense.
Genome position (GRCh38, 1-based): chr2:178,563,253, G>A on the plus strand (C>T on the coding strand, the complement: TTN is on the minus strand). VCF-style: chr2-178563253-G-A. GRCh37 (hg19) VCF-style: chr2-179427980-G-A.
Other names: c.82879C>T (NM_001267550.1); c.77956C>T, p.Gln25986Ter (NM_001256850.1); c.55684C>T, p.Gln18562Ter (NM_003319.4); c.75175C>T, p.Gln25059Ter (NM_133378.4); c.56059C>T, p.Gln18687Ter (NM_133432.3); c.56260C>T, p.Gln18754Ter (NM_133437.4); short protein forms Q27627*, Q18687*, Q25986*, Q25059*, Q18754*, Q18562*.
Identifiers: ClinVar variation 535015 (VCV000535015.9), dbSNP rs747365357, ClinGen allele CA349570886.

ClinVar aggregate classification (germline): Likely pathogenic. Review status: criteria provided, multiple submitters, no conflicts (2 of 4 stars). 3 submissions from 3 submitters: Likely pathogenic (3). Last evaluated 2026-02-03.

Conditions:
Autosomal recessive limb-girdle muscular dystrophy type 2J (LGMDR10). Also called: Limb-girdle muscular dystrophy, type 2J; MUSCULAR DYSTROPHY, LIMB-GIRDLE, AUTOSOMAL RECESSIVE 10. Identifiers: Orphanet 140922, MedGen C1837342, MONDO:0012127, OMIM 608807.
Dilated cardiomyopathy 1G (CMD1G). Identifiers: Orphanet 154, MedGen C1858763, MONDO:0011400, OMIM 604145.

Submissions (3):

Labcorp Genetics (formerly Invitae), Labcorp
Classification: Likely pathogenic for Dilated cardiomyopathy 1G; Autosomal recessive limb-girdle muscular dystrophy type 2J. Last evaluated: 2026-02-03. Review status: criteria provided, single submitter. Criteria: Invitae Variant Classification Sherloc (09022015). Collection method: clinical testing. Allele origin: germline.
Comment: This sequence change creates a premature translational stop signal (p.Gln27627*) in the TTN gene. While this is not anticipated to result in nonsense mediated decay, it is expected to create a truncated TTN protein. This variant is not present in population databases (gnomAD no frequency). This variant has not been reported in the literature in individuals affected with TTN-related conditions. ClinVar contains an entry for this variant (Variation ID: 535015). This variant is located in the A band of TTN (PMID: 25589632). Truncating variants in this region are significantly overrepresented in patients affected with dilated cardiomyopathy (PMID: 25589632). Truncating variants in this region have also been reported in individuals affected with autosomal recessive centronuclear myopathy (PMID: 23975875). In summary, the currently available evidence indicates that the variant is pathogenic, but additional data are needed to prove that conclusively. Therefore, this variant has been classified as Likely Pathogenic.

GeneDx
Classification: Likely pathogenic. Last evaluated: 2025-06-26. Review status: criteria provided, single submitter. Criteria: GeneDx Variant Classification Process June 2021. Collection method: clinical testing. Allele origin: germline. Affected: yes.
Comment: Nonsense variant predicted to result in protein truncation or nonsense mediated decay in a gene for which loss of function is a known mechanism of disease; Located in the A-band, a region of TTN for which truncating variants are significantly associated with autosomal dominant cardiomyopathy and also with autosomal recessive skeletal myopathies (PMID: 22335739, 32778822); Not observed at significant frequency in large population cohorts (gnomAD); Has not been previously published as pathogenic or benign to our knowledge; This variant is associated with the following publications: (PMID: 22335739, 32778822)

Revvity Omics, Revvity
Classification: Likely pathogenic. Last evaluated: 2024-07-08. Review status: criteria provided, single submitter. Criteria: ACMG Guidelines, 2015. Collection method: clinical testing. Allele origin: germline.

Literature cited by the submitters: PubMed 25589632 (cited by Labcorp Genetics (formerly Invitae), Labcorp); PubMed 23975875 (cited by Labcorp Genetics (formerly Invitae), Labcorp).